The following is an entry in ClinVar:

ClinVar aggregate classification (germline): Uncertain significance (1 of 4 stars; one submission).

Conditions:
Inborn genetic diseases. Identifiers: MedGen C0950123, MeSH D030342.

Submission:

Ambry Genetics
Classification: Uncertain significance for Inborn genetic diseases. Last evaluated: 2023-05-07. Review status: criteria provided, single submitter. Criteria: Ambry Variant Classification Scheme 2023. Collection method: clinical testing. Allele origin: germline.
Comment: The p.F534C variant (also known as c.1601T>G), located in coding exon 13 of the BUB1B gene, results from a T to G substitution at nucleotide position 1601. The phenylalanine at codon 534 is replaced by cysteine, an amino acid with highly dissimilar properties. This amino acid position is conserved. In addition, this alteration is predicted to be tolerated by in silico analysis. Since supporting evidence is limited at this time, the clinical significance of this alteration remains unclear.

NM_001211.6(BUB1B):c.1601T>G (p.Phe534Cys)

Gene: BUB1B (BUB1 mitotic checkpoint serine/threonine kinase B; plus strand). Cytogenetic location: 15q15.1.
Variant type: single nucleotide variant.
Coding change: c.1601T>G on transcript NM_001211.6 (MANE Select); coding-DNA position 1601, T replaced by G.
Protein change: p.Phe534Cys; replaces phenylalanine 534 with cysteine.
Molecular consequence: missense variant.
Genome position (GRCh38, 1-based): chr15:40,202,438, T>G. VCF-style: chr15-40202438-T-G. GRCh37 (hg19) VCF-style: chr15-40494639-T-G.
Other names: short protein forms F534C.
Identifiers: ClinVar variation 2565461 (VCV002565461.2), dbSNP rs1191220487, ClinGen allele CA391691245.